The following is an entry in ClinVar:

ClinVar aggregate classification (germline): Likely benign (1 of 4 stars; one submission).

Allele frequency attached by ClinVar (database versions not stated): TOPMed 0.00002; ESP Exome Variant Server 0.00008; ExAC 0.00001; gnomAD exomes 0.00002.
gnomAD v4.1: 35 of 1,614,174 alleles (0.0022%); highest among the groups gnomAD compares: Non-Finnish European, 0.0027%; no homozygotes.

Submission:

CeGaT Center for Human Genetics Tuebingen
Classification: Likely benign. Last evaluated: 2024-03-01. Review status: criteria provided, single submitter. Criteria: CeGaT Center For Human Genetics Tuebingen Variant Classification Criteria Version 2. Collection method: clinical testing. Allele origin: germline. Affected: yes. Observed: 1 variant allele.
Comment: DNAJC6: BP4, BP7

NM_001256864.2(DNAJC6):c.2373G>A (p.Gln791=)

Gene: DNAJC6 (DnaJ heat shock protein family (Hsp40) member C6; plus strand). Cytogenetic location: 1p31.3.
Variant type: single nucleotide variant.
Coding change: c.2373G>A on transcript NM_001256864.2 (MANE Select); coding-DNA position 2373, G replaced by A.
Protein change: p.Gln791=; no amino-acid change (glutamine 791 retained).
Molecular consequence: synonymous variant.
Genome position (GRCh38, 1-based): chr1:65,406,015, G>A. VCF-style: chr1-65406015-G-A. GRCh37 (hg19) VCF-style: chr1-65871698-G-A.
Other names: c.2163G>A, p.Gln721= (NM_001256865.2); c.2202G>A, p.Gln734= (NM_014787.4).
Identifiers: ClinVar variation 3067487 (VCV003067487.21), dbSNP rs372625439, ClinGen allele CA894149.
Genomic context (GRCh38, chr1:65,406,015, plus strand): 5'-TCCCCAGCCTATGGGTGGCGGGTGGCAGCAGGGAGGTGCCTACAACTGGCAGCAGCCACA[G>A]CCTAAGCCTCAGCCCAGCATGCCCCACTCCTCTCCCCAGAACCGACCCAACTACAACGTG-3'
Protein context (NP_001243793.1, residues 781-801): QGGAYNWQQP[Gln791=]PKPQPSMPHS